The following is an entry in ClinVar:

ClinVar aggregate classification (germline): Uncertain significance. Review status: criteria provided, multiple submitters, no conflicts (2 of 4 stars). 2 submissions from 2 submitters: Uncertain significance (2). Last evaluated 2022-12-12.

Conditions:
Hereditary cancer-predisposing syndrome. Also called: Neoplastic Syndromes, Hereditary; Hereditary Cancer Syndrome; Tumor predisposition; Hereditary neoplastic syndrome. Identifiers: Orphanet 140162, MedGen C0027672, MeSH D009386, MONDO:0015356.

Submissions (2):

Ambry Genetics
Classification: Uncertain significance for Hereditary cancer-predisposing syndrome. Last evaluated: 2022-12-12. Review status: criteria provided, single submitter. Criteria: Ambry Variant Classification Scheme 2023. Collection method: clinical testing. Allele origin: germline.
Comment: The p.Q2052E variant (also known as c.6154C>G), located in coding exon 45 of the POLE gene, results from a C to G substitution at nucleotide position 6154. The glutamine at codon 2052 is replaced by glutamic acid, an amino acid with highly similar properties. This amino acid position is conserved. In addition, the in silico prediction for this alteration is inconclusive. Since supporting evidence is limited at this time, the clinical significance of this alteration remains unclear.

Labcorp Genetics (formerly Invitae), Labcorp
Classification: Uncertain significance. Last evaluated: 2021-04-12. Review status: criteria provided, single submitter. Criteria: Invitae Variant Classification Sherloc (09022015). Collection method: clinical testing. Allele origin: germline.
Comment: This sequence change replaces glutamine with glutamic acid at codon 2052 of the POLE protein (p.Gln2052Glu). The glutamine residue is moderately conserved and there is a small physicochemical difference between glutamine and glutamic acid. In summary, the available evidence is currently insufficient to determine the role of this variant in disease. Therefore, it has been classified as a Variant of Uncertain Significance. Algorithms developed to predict the effect of missense changes on protein structure and function (SIFT, PolyPhen-2, Align-GVGD) all suggest that this variant is likely to be tolerated, but these predictions have not been confirmed by published functional studies and their clinical significance is uncertain. This variant has not been reported in the literature in individuals with POLE-related conditions. This variant is not present in population databases (ExAC no frequency).

NM_006231.4(POLE):c.6154C>G (p.Gln2052Glu)

Gene: POLE (DNA polymerase epsilon, catalytic subunit; minus strand). Cytogenetic location: 12q24.33.
Variant type: single nucleotide variant.
Coding change: c.6154C>G on transcript NM_006231.4 (MANE Select); coding-DNA position 6154, C replaced by G.
Protein change: p.Gln2052Glu; replaces glutamine 2052 with glutamic acid.
Molecular consequence: missense variant.
Genome position (GRCh38, 1-based): chr12:132,632,491, G>C on the plus strand (C>G on the coding strand, the complement: POLE is on the minus strand). VCF-style: chr12-132632491-G-C. GRCh37 (hg19) VCF-style: chr12-133209077-G-C.
Other names: c.6154C>G (NM_006231.2); short protein forms Q2052E.
Identifiers: ClinVar variation 1525747 (VCV001525747.9), dbSNP rs2041953300, ClinGen allele CA387370009.